The following is an entry in ClinVar:

NM_001134363.3(RBM20):c.793G>A (p.Gly265Arg)

Gene: RBM20 (RNA binding motif protein 20; plus strand). Cytogenetic location: 10q25.2.
Variant type: single nucleotide variant.
Coding change: c.793G>A on transcript NM_001134363.3 (MANE Select); coding-DNA position 793, G replaced by A.
Protein change: p.Gly265Arg; replaces glycine 265 with arginine.
Molecular consequence: missense variant.
Genome position (GRCh38, 1-based): chr10:110,781,402, G>A. VCF-style: chr10-110781402-G-A. GRCh37 (hg19) VCF-style: chr10-112541160-G-A.
Other names: short protein forms G265R.
Identifiers: ClinVar variation 1347007 (VCV001347007.6), dbSNP rs1237864932, ClinGen allele CA378383256.

ClinVar aggregate classification (germline): Uncertain significance (1 of 4 stars; one submission).

Conditions:
Dilated cardiomyopathy 1DD (CMD1DD). Identifiers: Orphanet 154, MedGen C2750995, MONDO:0013168, OMIM 613172.

Allele frequency attached by ClinVar (database versions not stated): gnomAD exomes below 0.00001; gnomAD 0.00001; TOPMed 0.00001.
gnomAD v4.1: 2 of 1,551,506 alleles (0.00013%); highest among the groups gnomAD compares: Non-Finnish European, 0.00017%; no homozygotes.

Submission:

Labcorp Genetics (formerly Invitae), Labcorp
Classification: Uncertain significance for Dilated cardiomyopathy 1DD. Last evaluated: 2022-07-25. Review status: criteria provided, single submitter. Criteria: Invitae Variant Classification Sherloc (09022015). Collection method: clinical testing. Allele origin: germline.
Comment: This sequence change replaces glycine, which is neutral and non-polar, with arginine, which is basic and polar, at codon 265 of the RBM20 protein (p.Gly265Arg). In summary, the available evidence is currently insufficient to determine the role of this variant in disease. Therefore, it has been classified as a Variant of Uncertain Significance. Advanced modeling of protein sequence and biophysical properties (such as structural, functional, and spatial information, amino acid conservation, physicochemical variation, residue mobility, and thermodynamic stability) performed at Invitae indicates that this missense variant is not expected to disrupt RBM20 protein function. ClinVar contains an entry for this variant (Variation ID: 1347007). This variant has not been reported in the literature in individuals affected with RBM20-related conditions. This variant is not present in population databases (gnomAD no frequency).